The following is an entry in ClinVar:

NM_004360.5(CDH1):c.1529C>A (p.Ala510Asp)

Gene: CDH1 (cadherin 1; plus strand). Cytogenetic location: 16q22.1.
Variant type: single nucleotide variant.
Coding change: c.1529C>A on transcript NM_004360.5 (MANE Select); coding-DNA position 1529, C replaced by A.
Protein change: p.Ala510Asp; replaces alanine 510 with aspartic acid.
Molecular consequence: missense variant. On other transcripts: 5 prime UTR variant (2).
Genome position (GRCh38, 1-based): chr16:68,815,723, C>A. VCF-style: chr16-68815723-C-A. GRCh37 (hg19) VCF-style: chr16-68849626-C-A.
Other names: c.1529C>A (LRG_301t1); c.1346C>A, p.Ala449Asp (NM_001317184.2); c.-20C>A (NM_001317185.2); c.-291C>A (NM_001317186.2); short protein forms A449D, A510D.
Identifiers: ClinVar variation 647721 (VCV000647721.9), dbSNP rs1344960746, ClinGen allele CA396463457.

ClinVar aggregate classification (germline): Uncertain significance (1 of 4 stars; one submission).

Conditions:
Hereditary diffuse gastric adenocarcinoma (HDGC). Also called: DIFFUSE GASTRIC AND LOBULAR BREAST CANCER SYNDROME. Identifiers: Orphanet 26106, MedGen C1708349, MONDO:0007648, OMIM 137215.

Submission:

Labcorp Genetics (formerly Invitae), Labcorp
Classification: Uncertain significance for Hereditary diffuse gastric adenocarcinoma. Last evaluated: 2018-10-10. Review status: criteria provided, single submitter. Criteria: Invitae Variant Classification Sherloc (09022015). Collection method: clinical testing. Allele origin: germline.
Comment: This sequence change replaces alanine with aspartic acid at codon 510 of the CDH1 protein (p.Ala510Asp). The alanine residue is highly conserved and there is a moderate physicochemical difference between alanine and aspartic acid. This variant is not present in population databases (ExAC no frequency). This variant has not been reported in the literature in individuals with CDH1-related disease. Algorithms developed to predict the effect of missense changes on protein structure and function (SIFT, PolyPhen-2, Align-GVGD) all suggest that this variant is likely to be disruptive, but these predictions have not been confirmed by published functional studies and their clinical significance is uncertain. In summary, the available evidence is currently insufficient to determine the role of this variant in disease. Therefore, it has been classified as a Variant of Uncertain Significance.